The following is an entry in ClinVar:

NM_001723.7(DST):c.4080dup (p.Ala1361fs)

Gene: DST (dystonin; minus strand). Cytogenetic location: 6p12.1.
Variant type: Duplication.
Coding change: c.4080dup on transcript NM_001723.7 (MANE Plus Clinical); coding-DNA position 4080, one base duplicated (A; older notation c.4080dupA).
Protein change: p.Ala1361fs; shifts the reading frame from alanine 1361.
Molecular consequence: frameshift variant. On other transcripts: intron variant (10).
Genome position (GRCh38, 1-based): chr6:56,619,954, T duplicated on the plus strand (A on the coding strand, the reverse complement: DST is on the minus strand); the first of 3 consecutive T bases (chr6:56,619,954-56,619,956); duplicating any one gives the same sequence. VCF-style (leftmost placement, unchanged base first): chr6-56619953-C-CT. GRCh37 (hg19) VCF-style: chr6-56484751-C-CT.
Other names: c.4830+4576dup (NM_001144769.5); c.4929+4576dup (NM_001374722.1, NM_001374736.1); c.4956+4576dup (NM_001374734.1); c.4416+4576dup (NM_001144770.2); c.4296+4576dup (NM_001374730.1, NM_001386100.1, NM_183380.4 and 1 more transcripts); c.3318+4576dup (NM_015548.5); short protein forms A1361fs.
Identifiers: ClinVar variation 2025510 (VCV002025510.4), dbSNP rs2536728271, ClinGen allele CA2580075578.

ClinVar aggregate classification (germline): Pathogenic (1 of 4 stars; one submission).

Conditions:
Epidermolysis bullosa simplex 3, localized or generalized intermediate, with BP230 deficiency (EBS3). Also called: Epidermolysis bullosa simplex due to BP230 deficiency; Epidermolysis bullosa simplex, autosomal recessive 2. Identifiers: Orphanet 412181, MedGen C3809470, MONDO:0014180, OMIM 615425.
Hereditary sensory and autonomic neuropathy type 6. Also called: HSAN VI; Neuropathy, hereditary sensory and autonomic, type VI. Identifiers: Orphanet 314381, MedGen C3539003, MONDO:0013839, OMIM 614653.

Submission:

Labcorp Genetics (formerly Invitae), Labcorp
Classification: Pathogenic for Epidermolysis bullosa simplex 3, localized or generalized intermediate, with BP230 deficiency; Hereditary sensory and autonomic neuropathy type 6. Last evaluated: 2022-08-21. Review status: criteria provided, single submitter. Criteria: Invitae Variant Classification Sherloc (09022015). Collection method: clinical testing. Allele origin: germline.
Comment: This sequence change creates a premature translational stop signal (p.Ala1361Serfs*10) in the DST gene. It is expected to result in an absent or disrupted protein product. Loss-of-function variants in DST are known to be pathogenic (PMID: 22522446, 25059916, 30371979). This variant is not present in population databases (gnomAD no frequency). This variant has not been reported in the literature in individuals affected with DST-related conditions. For these reasons, this variant has been classified as Pathogenic.

Literature cited by the submitters: PubMed 22522446; PubMed 25059916; PubMed 30371979.